The following is an entry in ClinVar:

NM_144573.4(NEXN):c.1042A>C (p.Arg348=)

Gene: NEXN (nexilin F-actin binding protein; plus strand). Cytogenetic location: 1p31.1.
Variant type: single nucleotide variant.
Coding change: c.1042A>C on transcript NM_144573.4 (MANE Select); coding-DNA position 1042, A replaced by C.
Protein change: p.Arg348=; no amino-acid change (arginine 348 retained).
Molecular consequence: synonymous variant.
Genome position (GRCh38, 1-based): chr1:77,929,493, A>C. VCF-style: chr1-77929493-A-C. GRCh37 (hg19) VCF-style: chr1-78395178-A-C.
Other names: c.850A>C, p.Arg284= (NM_001172309.2).
Identifiers: ClinVar variation 507458 (VCV000507458.3), dbSNP rs752036618, ClinGen allele CA918788.

ClinVar aggregate classification (germline): Likely benign. Review status: criteria provided, multiple submitters, no conflicts (2 of 4 stars). 2 submissions from 2 submitters: Likely benign (2). Last evaluated 2024-07-30.

Conditions:
Hypertrophic cardiomyopathy 20. Identifiers: MedGen C3151267, MONDO:0013477, OMIM 613876.
Dilated cardiomyopathy 1CC (CMD1CC). Identifiers: Orphanet 154, MedGen C2751084, MONDO:0013147, OMIM 613122.

Allele frequency attached by ClinVar (database versions not stated): ExAC 0.00003; gnomAD exomes 0.00004 and 0.00008; gnomAD 0.00009 and 0.00011.
gnomAD v4.1: 76 of 1,612,396 alleles (0.0047%); highest among the groups gnomAD compares: Non-Finnish European, 0.001%; no homozygotes.

Submissions (2):

Labcorp Genetics (formerly Invitae), Labcorp
Classification: Likely benign for Dilated cardiomyopathy 1CC; Hypertrophic cardiomyopathy 20. Last evaluated: 2024-07-30. Review status: criteria provided, single submitter. Criteria: Invitae Variant Classification Sherloc (09022015). Collection method: clinical testing. Allele origin: germline.

GeneDx
Classification: Likely benign. Last evaluated: 2017-02-15. Review status: criteria provided, single submitter. Criteria: GeneDx Variant Classification (06012015). Collection method: clinical testing. Allele origin: germline. Affected: yes.
Comment: This variant is considered likely benign or benign based on one or more of the following criteria: it is a conservative change, it occurs at a poorly conserved position in the protein, it is predicted to be benign by multiple in silico algorithms, and/or has population frequency not consistent with disease.